The following is an entry in ClinVar:

NM_016507.4(CDK12):c.2839C>G (p.Leu947Val)

Gene: CDK12 (cyclin dependent kinase 12; plus strand). Cytogenetic location: 17q12.
Variant type: single nucleotide variant.
Coding change: c.2839C>G on transcript NM_016507.4 (MANE Select); coding-DNA position 2839, C replaced by G.
Protein change: p.Leu947Val; replaces leucine 947 with valine.
Molecular consequence: missense variant.
Genome position (GRCh38, 1-based): chr17:39,515,801, C>G. VCF-style: chr17-39515801-C-G. GRCh37 (hg19) VCF-style: chr17-37672054-C-G.
Other names: c.2839C>G, p.Leu947Val (NM_015083.4); short protein forms L947V.
Identifiers: ClinVar variation 3999440 (VCV003999440.1).

ClinVar aggregate classification (germline): Uncertain significance (1 of 4 stars; one submission).

gnomAD v4.1: 9 of 1,611,600 alleles (0.00056%); highest among the groups gnomAD compares: Non-Finnish European, 0.00076%; no homozygotes.

Submission:

Ambry Genetics
Classification: Uncertain significance. Last evaluated: 2025-05-10. Review status: criteria provided, single submitter. Criteria: Ambry Variant Classification Scheme 2023. Collection method: clinical testing. Allele origin: germline.
Comment: The p.L947V variant (also known as c.2839C>G), located in coding exon 9 of the CDK12 gene, results from a C to G substitution at nucleotide position 2839. The leucine at codon 947 is replaced by valine, an amino acid with highly similar properties. This amino acid position is conserved. In addition, the in silico prediction for this alteration is inconclusive. Based on the available evidence, the clinical significance of this variant remains unclear.